The following is an entry in ClinVar:

NM_006486.3(FBLN1):c.1369G>A (p.Val457Ile)

Gene: FBLN1 (fibulin 1; plus strand). Cytogenetic location: 22q13.31.
Variant type: single nucleotide variant.
Coding change: c.1369G>A on transcript NM_006486.3 (MANE Select); coding-DNA position 1369, G replaced by A.
Protein change: p.Val457Ile; replaces valine 457 with isoleucine.
Molecular consequence: missense variant.
Genome position (GRCh38, 1-based): chr22:45,547,132, G>A. VCF-style: chr22-45547132-G-A. GRCh37 (hg19) VCF-style: chr22-45943012-G-A.
Other names: c.1369G>A (NM_006486.2); c.1369G>A, p.Val457Ile (NM_001996.4, NM_006485.4, NM_006487.3); short protein forms V457I.
Identifiers: ClinVar variation 2730478 (VCV002730478.5), dbSNP rs367929911, ClinGen allele CA10286932.

ClinVar aggregate classification (germline): Likely benign. Review status: criteria provided, single submitter (1 of 4 stars). 2 submissions from 2 submitters: Likely benign (1). 1 of the submissions does not count toward it. Last evaluated 2024-01-13.

Conditions:
FBLN1-related disorder. Also called: FBLN1-related condition.

Allele frequency attached by ClinVar (database versions not stated): TOPMed 0.00013; ESP Exome Variant Server 0.00015; gnomAD 0.00019; 1000 Genomes Project 30x 0.00031; 1000 Genomes Project 0.00040; ExAC 0.00062.
gnomAD v4.1: 363 of 1,614,116 alleles (0.022%); highest among the groups gnomAD compares: South Asian, 0.33%; 4 homozygotes.

Submissions (2):

Labcorp Genetics (formerly Invitae), Labcorp
Classification: Likely benign. Last evaluated: 2024-01-13. Review status: criteria provided, single submitter. Criteria: Invitae Variant Classification Sherloc (09022015). Collection method: clinical testing. Allele origin: germline.

PreventionGenetics, part of Exact Sciences
Classification: Likely benign for FBLN1-related condition. Last evaluated: 2019-06-06. Review status: no assertion criteria provided. Collection method: clinical testing. Allele origin: germline. Not counted in ClinVar's aggregate classification.
Comment: This variant is classified as likely benign based on ACMG/AMP sequence variant interpretation guidelines (Richards et al. 2015 PMID: 25741868, with internal and published modifications).